The following is an entry in ClinVar:

ClinVar aggregate classification (germline): Uncertain significance (1 of 4 stars; one submission).

Conditions:
Autosomal recessive limb-girdle muscular dystrophy type R18 (LGMDR18). Also called: Limb-girdle muscular dystrophy, type 2S; MUSCULAR DYSTROPHY, LIMB-GIRDLE, AUTOSOMAL RECESSIVE 18; Autosomal recessive limb-girdle muscular dystrophy type 2S. Identifiers: Orphanet 369840, MedGen C4517996, MONDO:0014144, OMIM 615356.

Allele frequency attached by ClinVar (database versions not stated): TOPMed below 0.00001; gnomAD exomes 0.00001; gnomAD 0.00002; ExAC 0.00003; ESP Exome Variant Server 0.00008.
gnomAD v4.1: 6 of 1,612,570 alleles (0.00037%); highest among the groups gnomAD compares: African/African-American, 0.0027%; no homozygotes.

Submission:

Labcorp Genetics (formerly Invitae), Labcorp
Classification: Uncertain significance for Autosomal recessive limb-girdle muscular dystrophy type R18. Last evaluated: 2024-10-22. Review status: criteria provided, single submitter. Criteria: Invitae Variant Classification Sherloc (09022015). Collection method: clinical testing. Allele origin: germline.
Comment: This sequence change replaces proline, which is neutral and non-polar, with leucine, which is neutral and non-polar, at codon 727 of the TRAPPC11 protein (p.Pro727Leu). This variant is present in population databases (rs371182334, gnomAD 0.008%). This variant has not been reported in the literature in individuals affected with TRAPPC11-related conditions. ClinVar contains an entry for this variant (Variation ID: 1418410). Invitae Evidence Modeling of protein sequence and biophysical properties (such as structural, functional, and spatial information, amino acid conservation, physicochemical variation, residue mobility, and thermodynamic stability) has been performed for this missense variant. However, the output from this modeling did not meet the statistical confidence thresholds required to predict the impact of this variant on TRAPPC11 protein function. In summary, the available evidence is currently insufficient to determine the role of this variant in disease. Therefore, it has been classified as a Variant of Uncertain Significance.

NM_021942.6(TRAPPC11):c.2180C>T (p.Pro727Leu)

Gene: TRAPPC11 (trafficking protein particle complex subunit 11; plus strand). Cytogenetic location: 4q35.1.
Variant type: single nucleotide variant.
Coding change: c.2180C>T on transcript NM_021942.6 (MANE Select); coding-DNA position 2180, C replaced by T.
Protein change: p.Pro727Leu; replaces proline 727 with leucine.
Molecular consequence: missense variant.
Genome position (GRCh38, 1-based): chr4:183,693,090, C>T. VCF-style: chr4-183693090-C-T. GRCh37 (hg19) VCF-style: chr4-184614243-C-T.
Other names: c.2180C>T, p.Pro727Leu (NM_199053.3); short protein forms P727L.
Identifiers: ClinVar variation 1418410 (VCV001418410.6), dbSNP rs371182334, ClinGen allele CA3152125.